The following is an entry in ClinVar:

NM_001035.3(RYR2):c.14151+1G>A

Gene: RYR2 (ryanodine receptor 2; plus strand). Cytogenetic location: 1q43.
Variant type: single nucleotide variant.
Coding change: c.14151+1G>A on transcript NM_001035.3 (MANE Select); the canonical splice donor site of the intron after coding-DNA position 14151, G replaced by A.
Molecular consequence: splice donor variant.
Genome position (GRCh38, 1-based): chr1:237,801,917, G>A. VCF-style: chr1-237801917-G-A. GRCh37 (hg19) VCF-style: chr1-237965217-G-A.
Identifiers: ClinVar variation 463575 (VCV000463575.13), dbSNP rs745576995, ClinGen allele CA085589.

ClinVar aggregate classification (germline): Uncertain significance. Review status: criteria provided, multiple submitters, no conflicts (2 of 4 stars). 5 submissions from 5 submitters: Uncertain significance (5). Last evaluated 2025-07-31.

Conditions:
Cardiovascular phenotype. Identifiers: MedGen CN230736.
Catecholaminergic polymorphic ventricular tachycardia (CVPT). Also called: Catecholamine-induced polymorphic ventricular tachycardia. Identifiers: Orphanet 3286, MedGen C5574922, MONDO:0017990.
Cardiomyopathy (CMYO). Also called: Cardiomyopathies. Identifiers: Orphanet 167848, MedGen C0878544, MONDO:0004994, HP:0001638. Inheritance: Various modes of inheritance.
Catecholaminergic polymorphic ventricular tachycardia 1. Also called: VENTRICULAR TACHYCARDIA, STRESS-INDUCED POLYMORPHIC 1; VENTRICULAR TACHYCARDIA, CATECHOLAMINERGIC POLYMORPHIC, 1, WITH OR WITHOUT ATRIAL DYSFUNCTION AND/OR DILATED CARDIOMYOPATHY; RYR2-Related Catecholaminergic Polymorphic Ventricular Tachycardia. Identifiers: Orphanet 3286, MedGen C1631597, MONDO:0011484, OMIM 604772.

Allele frequency attached by ClinVar (database versions not stated): gnomAD exomes below 0.00001 and 0.00001; TOPMed below 0.00001; ExAC 0.00001.
gnomAD v4.1: 2 of 1,573,188 alleles (0.00013%); highest among the groups gnomAD compares: Admixed American, 0.0033%; no homozygotes.

Submissions (5):

Labcorp Genetics (formerly Invitae), Labcorp
Classification: Uncertain significance for Catecholaminergic polymorphic ventricular tachycardia 1. Last evaluated: 2025-07-31. Review status: criteria provided, single submitter. Criteria: Invitae Variant Classification Sherloc (09022015). Collection method: clinical testing. Allele origin: germline.
Comment: This sequence change affects a donor splice site in intron 98 of the RYR2 gene. It is expected to disrupt RNA splicing. Variants that disrupt the donor or acceptor splice site typically lead to a loss of protein function (PMID: 16199547), however the current clinical and genetic evidence is not sufficient to establish whether loss-of-function variants in RYR2 cause disease. This variant is present in population databases (rs745576995, gnomAD 0.006%). Disruption of this splice site has been observed in individual(s) with sudden cardiac death (PMID: 37492947). ClinVar contains an entry for this variant (Variation ID: 463575). Algorithms developed to predict the effect of sequence changes on RNA splicing suggest that this variant may disrupt the consensus splice site. In summary, the available evidence is currently insufficient to determine the role of this variant in disease. Therefore, it has been classified as a Variant of Uncertain Significance.

Color Diagnostics, LLC DBA Color Health
Classification: Uncertain significance for Cardiomyopathy. Last evaluated: 2025-07-01. Review status: criteria provided, single submitter. Criteria: ACMG Guidelines, 2015. Collection method: clinical testing. Allele origin: germline.
Comment: This variant causes a G to A nucleotide substitution at the +1 position of intron 98 of the RYR2 gene. Splice site prediction tools suggest that this variant may have a significant impact on RNA splicing. Although this prediction has not been confirmed in published RNA studies, this variant is expected to result in an absent or disrupted protein product. This variant has not been reported in individuals affected with RYR2-related disorders in the literature. This variant has been identified in 2/247554 chromosomes in the general population by the Genome Aggregation Database (gnomAD). Clinical relevance of loss-of-function RYR2 truncation and splice variants in autosomal dominant cardiovascular disorders is not clearly established. The available evidence is insufficient to determine the role of this variant in disease conclusively. Therefore, this variant is classified as a Variant of Uncertain Significance.

All of Us Research Program, National Institutes of Health
Classification: Uncertain significance for Catecholaminergic polymorphic ventricular tachycardia. Last evaluated: 2024-09-17. Review status: criteria provided, single submitter. Criteria: ACMG Guidelines, 2015. Collection method: clinical testing. Allele origin: germline. Inheritance: Autosomal dominant inheritance. Observed: 7 variant alleles, 7 heterozygotes.
Comment: This variant causes a G to A nucleotide substitution at the +1 position of intron 98 of the RYR2 gene. Splice site prediction tools suggest that this variant may have a significant impact on RNA splicing. Although this prediction has not been confirmed in published RNA studies, this variant is expected to result in an absent or disrupted protein product. This variant has not been reported in individuals affected with RYR2-related disorders in the literature. This variant has been identified in 2/247554 chromosomes in the general population by the Genome Aggregation Database (gnomAD). Clinical relevance of loss-of-function RYR2 truncation and splice variants in autosomal dominant cardiovascular disorders is not clearly established. The available evidence is insufficient to determine the role of this variant in disease conclusively. Therefore, this variant is classified as a Variant of Uncertain Significance.

This study involves interpretation of variants in research participants for the purpose of population health screening. Participant phenotype was not available at the time of variant classification. Additional details can be found in publication PMID: 35346344, PMCID: PMC8962531

Clinical Genomics Laboratory, Stanford Medicine
Classification: Uncertain significance for Catecholaminergic polymorphic ventricular tachycardia 1. Last evaluated: 2022-04-25. Review status: criteria provided, single submitter. Criteria: ACMG Guidelines, 2015. Collection method: clinical testing. Allele origin: germline. Observed: 1 variant allele, 1 heterozygote.
Comment: The c.14151+1G>A variant in the RYR2 gene has not been previously reported in association with disease. This variant has been identified in 2/34,456 Latino/Admixed American chromosomes (2/247,554 chromosomes overall) by the Genome Aggregation Database. Although this variant has been seen in the general population, its frequency is low enough to be consistent with the prevalence of RYR2-related disease. This variant alters the canonical donor splice site in intron 98, which is predicted to result in abnormal gene splicing and loss of normal protein function through either protein truncation or nonsense-mediated decay. Loss-of-function is not currently a definitively established mechanism of disease for the RYR2 gene; however, data from the Genome Aggregation Database suggests this gene is intolerant to variants that result in loss of function and emerging evidence has implicated loss-of-function in RYR2 -related disease (Li et al., 2021; Hirose et al., 2022). These data were assessed using the ACMG/AMP variant interpretation guidelines. In summary, the significance of the c.14151+1G>A variant is uncertain. Additional information is needed to resolve the significance of this variant. [ACMG evidence codes used: PM2; PP3]

Ambry Genetics
Classification: Uncertain significance for Cardiovascular phenotype. Last evaluated: 2016-07-13. Review status: criteria provided, single submitter. Criteria: Ambry Variant Classification Scheme 2023. Collection method: clinical testing. Allele origin: germline.
Comment: The c.14151+1G>A intronic variant results from a G to A substitution one nucleotide after coding exon 98 of the RYR2 gene. Based on data from ExAC, the A allele has an overall frequency of less than 0.01% (1/103038). This nucleotide position is highly conserved in available vertebrate species. Using the BDGP and ESEfinder splice site prediction tools, this alteration is predicted to abolish the native splice donor site; however, direct evidence is unavailable. Alterations that disrupt the canonical splice site are expected to cause aberrant splicing, resulting in an abnormal protein or a transcript that is subject to nonsense-mediated mRNA decay. However, loss of function of RYR2 has not been clearly established as a mechanism of disease. Since supporting evidence is limited at this time, the clinical significance of this alteration remains unclear.

Literature cited by the submitters: PubMed 16199547 (cited by Labcorp Genetics (formerly Invitae), Labcorp); PubMed 37492947 (cited by Labcorp Genetics (formerly Invitae), Labcorp); PubMed 34546788 (cited by Clinical Genomics Laboratory, Stanford Medicine); PubMed 34661651 (cited by Clinical Genomics Laboratory, Stanford Medicine).